The following is an entry in ClinVar:

NM_001128840.3(CACNA1D):c.2398G>A (p.Asp800Asn)

Gene: CACNA1D (calcium voltage-gated channel subunit alpha1 D; plus strand). Cytogenetic location: 3p21.1.
Variant type: single nucleotide variant.
Coding change: c.2398G>A on transcript NM_001128840.3 (MANE Select); coding-DNA position 2398, G replaced by A.
Protein change: p.Asp800Asn; replaces aspartic acid 800 with asparagine.
Molecular consequence: missense variant.
Genome position (GRCh38, 1-based): chr3:53,731,138, G>A. VCF-style: chr3-53731138-G-A. GRCh37 (hg19) VCF-style: chr3-53765165-G-A.
Other names: c.2458G>A, p.Asp820Asn (NM_000720.4); c.2398G>A, p.Asp800Asn (NM_001128839.3); short protein forms D820N, D800N.
Identifiers: ClinVar variation 2961897 (VCV002961897.3), dbSNP rs537189630, ClinGen allele CA2454217.

ClinVar aggregate classification (germline): Uncertain significance (1 of 4 stars; one submission).

Allele frequency attached by ClinVar (database versions not stated): ExAC 0.00001; gnomAD 0.00001; 1000 Genomes Project 0.00020; 1000 Genomes Project 30x 0.00031.
gnomAD v4.1: 4 of 1,605,798 alleles (0.00025%); highest among the groups gnomAD compares: East Asian, 0.0067%; no homozygotes.

Submission:

Labcorp Genetics (formerly Invitae), Labcorp
Classification: Uncertain significance. Last evaluated: 2024-11-05. Review status: criteria provided, single submitter. Criteria: Invitae Variant Classification Sherloc (09022015). Collection method: clinical testing. Allele origin: germline.
Comment: This sequence change replaces aspartic acid, which is acidic and polar, with asparagine, which is neutral and polar, at codon 820 of the CACNA1D protein (p.Asp820Asn). This variant is present in population databases (rs537189630, gnomAD 0.006%). This variant has not been reported in the literature in individuals affected with CACNA1D-related conditions. ClinVar contains an entry for this variant (Variation ID: 2961897). Invitae Evidence Modeling of protein sequence and biophysical properties (such as structural, functional, and spatial information, amino acid conservation, physicochemical variation, residue mobility, and thermodynamic stability) indicates that this missense variant is not expected to disrupt CACNA1D protein function with a negative predictive value of 80%. In summary, the available evidence is currently insufficient to determine the role of this variant in disease. Therefore, it has been classified as a Variant of Uncertain Significance.